The following is an entry in ClinVar:

ClinVar aggregate classification (germline): Pathogenic. Review status: criteria provided, multiple submitters, no conflicts (2 of 4 stars). 2 submissions from 2 submitters: Pathogenic (2). Last evaluated 2024-11-25.

Conditions:
Familial cylindromatosis. Also called: ANCELL-SPIEGLER CYLINDROMAS; Turban tumor syndrome. Identifiers: Orphanet 211, Orphanet 79493, MedGen C1851526, MONDO:0007565, OMIM 132700.

Submissions (2):

Labcorp Genetics (formerly Invitae), Labcorp
Classification: Pathogenic. Last evaluated: 2024-11-25. Review status: criteria provided, single submitter. Criteria: Invitae Variant Classification Sherloc (09022015). Collection method: clinical testing. Allele origin: germline.
Comment: This sequence change creates a premature translational stop signal (p.Asp277Glufs*33) in the CYLD gene. It is expected to result in an absent or disrupted protein product. Loss-of-function variants in CYLD are known to be pathogenic (PMID: 19462465). This variant is not present in population databases (gnomAD no frequency). This variant has not been reported in the literature in individuals affected with CYLD-related conditions. ClinVar contains an entry for this variant (Variation ID: 267228). For these reasons, this variant has been classified as Pathogenic.

Genomic Diagnostic Laboratory, Division of Genomic Diagnostics, Children's Hospital of Philadelphia
Classification: Pathogenic for Cylindromatosis, familial. Last evaluated: 2016-09-23. Review status: criteria provided, single submitter. Criteria: DGD Variant Analysis Guidelines. Collection method: clinical testing. Allele origin: germline. Affected: yes. Observed: 1 variant allele.
Comment: Clinical Testing

Literature cited by the submitters: PubMed 19462465 (cited by Labcorp Genetics (formerly Invitae), Labcorp).

NM_001378743.1(CYLD):c.831_834del (p.Asp277fs)

Gene: CYLD (CYLD lysine 63 deubiquitinase; plus strand). Cytogenetic location: 16q12.1.
Variant type: Deletion.
Coding change: c.831_834del on transcript NM_001378743.1 (MANE Select); coding-DNA positions 831 to 834, 4 bases deleted (TGGA; older notation c.831_834delTGGA).
Protein change: p.Asp277fs; shifts the reading frame from aspartic acid 277.
Molecular consequence: frameshift variant. On other transcripts: non-coding transcript variant (1).
Genome position (GRCh38, 1-based): chr16:50,754,342-50,754,345, TGGA deleted; deleting any 4 consecutive bases within chr16:50,754,339-50,754,345 gives the same sequence; the c. name uses the placement nearest the transcript's 3' end. VCF-style (leftmost placement, unchanged base first): chr16-50754338-GGGAT-G. GRCh37 (hg19) VCF-style: chr16-50788249-GGGAT-G.
Other names: c.831_834delTGGA (NM_015247.2); c.831_834del, p.Asp277fs (NM_001042355.2, NM_001042412.3, NM_001378744.1 and 10 more transcripts); c.165_168del, p.Asp55fs (NM_001378754.1, NM_001378755.1); short protein forms D277fs, D55fs.
Identifiers: ClinVar variation 267228 (VCV000267228.3), dbSNP rs886040868, ClinGen allele CA10590065.